The following is an entry in ClinVar:

NM_033343.4(LHX4):c.71T>G (p.Met24Arg)

Gene: LHX4 (LIM homeobox 4; plus strand). Cytogenetic location: 1q25.2.
Variant type: single nucleotide variant.
Coding change: c.71T>G on transcript NM_033343.4 (MANE Select); coding-DNA position 71, T replaced by G.
Protein change: p.Met24Arg; replaces methionine 24 with arginine.
Molecular consequence: missense variant.
Genome position (GRCh38, 1-based): chr1:180,230,600, T>G. VCF-style: chr1-180230600-T-G. GRCh37 (hg19) VCF-style: chr1-180199735-T-G.
Other names: short protein forms M24R.
Identifiers: ClinVar variation 3360580 (VCV003360580.2).

ClinVar aggregate classification (germline): Uncertain significance (1 of 4 stars; one submission).

Submission:

GeneDx
Classification: Uncertain significance. Last evaluated: 2026-10-09. Review status: criteria provided, single submitter. Criteria: GeneDx Variant Classification Process June 2021. Collection method: clinical testing. Allele origin: germline.
Comment: Not observed at significant frequency in large population cohorts (gnomAD); In silico analysis suggests that this missense variant does not alter protein structure/function; Has not been previously published as pathogenic or benign to our knowledge